The following is an entry in ClinVar:

NM_006379.5(SEMA3C):c.1264C>T (p.Arg422Cys)

Gene: SEMA3C (semaphorin 3C; minus strand). Cytogenetic location: 7q21.11.
Variant type: single nucleotide variant.
Coding change: c.1264C>T on transcript NM_006379.5 (MANE Select); coding-DNA position 1264, C replaced by T.
Protein change: p.Arg422Cys; replaces arginine 422 with cysteine.
Molecular consequence: missense variant.
Genome position (GRCh38, 1-based): chr7:80,789,396, G>A on the plus strand (C>T on the coding strand, the complement: SEMA3C is on the minus strand). VCF-style: chr7-80789396-G-A. GRCh37 (hg19) VCF-style: chr7-80418712-G-A.
Other names: c.1318C>T, p.Arg440Cys (NM_001350120.2); c.1090C>T, p.Arg364Cys (NM_001350121.2); c.1318C>T (NM_001350120.1); short protein forms R422C, R440C, R364C.
Identifiers: ClinVar variation 2374565 (VCV002374565.3), dbSNP rs148730942, ClinGen allele CA4316173.

ClinVar aggregate classification (germline): Uncertain significance. Review status: criteria provided, multiple submitters, no conflicts (2 of 4 stars). 2 submissions from 2 submitters: Uncertain significance (2). Last evaluated 2025-06-04.

Conditions:
SEMA3C-related disorder. Also called: SEMA3C-related condition.

Allele frequency attached by ClinVar (database versions not stated): gnomAD 0.00001; TOPMed 0.00002; ExAC 0.00003; ESP Exome Variant Server 0.00008.

Submissions (2):

PreventionGenetics, part of Exact Sciences
Classification: Uncertain significance for SEMA3C-related condition. Last evaluated: 2025-06-04. Review status: criteria provided, single submitter. Criteria: ACMG Guidelines, 2015. Collection method: clinical testing. Allele origin: germline.
Comment: The SEMA3C c.1318C>T variant is predicted to result in the amino acid substitution p.Arg440Cys. To our knowledge, this variant has not been reported in the literature. This variant is reported in 0.014% of alleles in individuals of European (Finnish) descent in gnomAD. At this time, the clinical significance of this variant is uncertain due to the absence of conclusive functional and genetic evidence.

Ambry Genetics
Classification: Uncertain significance. Last evaluated: 2022-01-18. Review status: criteria provided, single submitter. Criteria: Ambry Variant Classification Scheme 2023. Collection method: clinical testing. Allele origin: germline.